The following is an entry in ClinVar:

ClinVar aggregate classification (germline): Uncertain significance (1 of 4 stars; one submission).

Conditions:
Arginase deficiency. Also called: ARGININEMIA; ARG1 DEFICIENCY; Arginase 1 Deficiency. Identifiers: Orphanet 90, MedGen C0268548, MONDO:0008814, OMIM 207800.

Allele frequency attached by ClinVar (database versions not stated): TOPMed 0.00001.

Submission:

Labcorp Genetics (formerly Invitae), Labcorp
Classification: Uncertain significance for Arginase deficiency. Last evaluated: 2024-12-02. Review status: criteria provided, single submitter. Criteria: Invitae Variant Classification Sherloc (09022015). Collection method: clinical testing. Allele origin: germline.
Comment: This sequence change replaces glycine, which is neutral and non-polar, with aspartic acid, which is acidic and polar, at codon 178 of the ARG1 protein (p.Gly178Asp). This variant is not present in population databases (gnomAD no frequency). This variant has not been reported in the literature in individuals affected with ARG1-related conditions. ClinVar contains an entry for this variant (Variation ID: 1983644). Invitae Evidence Modeling of protein sequence and biophysical properties (such as structural, functional, and spatial information, amino acid conservation, physicochemical variation, residue mobility, and thermodynamic stability) indicates that this missense variant is expected to disrupt ARG1 protein function with a positive predictive value of 80%. In summary, the available evidence is currently insufficient to determine the role of this variant in disease. Therefore, it has been classified as a Variant of Uncertain Significance.

NM_000045.4(ARG1):c.533G>A (p.Gly178Asp)

Genes: ARG1 (arginase 1; plus strand), MED23 (mediator complex subunit 23; minus strand). Cytogenetic location: 6q23.2.
Variant type: single nucleotide variant.
Coding change: c.533G>A on transcript NM_000045.4 (MANE Select); coding-DNA position 533, G replaced by A.
Protein change: p.Gly178Asp; replaces glycine 178 with aspartic acid.
Molecular consequence: missense variant. On other transcripts: non-coding transcript variant (1), intron variant (3).
Genome position (GRCh38, 1-based): chr6:131,582,688, G>A. VCF-style: chr6-131582688-G-A. GRCh37 (hg19) VCF-style: chr6-131903828-G-A.
Other names: c.557G>A, p.Gly186Asp (NM_001244438.2); c.306-372G>A (NM_001369020.1); c.4077+5021C>T (NM_001270521.2); c.4095+5021C>T (NM_015979.4); short protein forms G178D, G186D.
Identifiers: ClinVar variation 1983644 (VCV001983644.2), dbSNP rs1251635812, ClinGen allele CA365651438.